The following is an entry in ClinVar:

NM_006214.4(PHYH):c.661G>A (p.Asp221Asn)

Gene: PHYH (phytanoyl-CoA 2-hydroxylase; minus strand). Cytogenetic location: 10p13.
Variant type: single nucleotide variant.
Coding change: c.661G>A on transcript NM_006214.4 (MANE Select); coding-DNA position 661, G replaced by A.
Protein change: p.Asp221Asn; replaces aspartic acid 221 with asparagine.
Molecular consequence: missense variant. On other transcripts: intron variant (1).
Genome position (GRCh38, 1-based): chr10:13,288,377, C>T on the plus strand (G>A on the coding strand, the complement: PHYH is on the minus strand). VCF-style: chr10-13288377-C-T. GRCh37 (hg19) VCF-style: chr10-13330377-C-T.
Other names: c.361G>A, p.Asp121Asn (NM_001037537.2, NM_001323080.2); c.667G>A, p.Asp223Asn (NM_001323082.2); c.367G>A, p.Asp123Asn (NM_001323084.2); c.415-4538G>A (NM_001323083.2); short protein forms D223N, D121N, D123N, D221N.
Identifiers: ClinVar variation 1360702 (VCV001360702.3), dbSNP rs763486532, ClinGen allele CA5412285.
Genomic context (GRCh38, chr10:13,288,377, plus strand): 5'-CGAAGGAGATTCGGATCAAGACTCAGCCGCCGGGCAGACCTACCTCCCACTTGGGGTAAT[C>T]GTGGGGCTTCAGGGAGCCCTTGTGTGTGCCTGGGAGCACAACCAGACAGCCGTTGTTCCG-3'
Protein context (NP_006205.1, residues 211-231): GTHKGSLKPH[Asp221Asn]YPKWEGGVNK

ClinVar aggregate classification (germline): Uncertain significance (1 of 4 stars; one submission).

Allele frequency attached by ClinVar (database versions not stated): gnomAD exomes below 0.00001 and 0.00001; ExAC 0.00002.
gnomAD v4.1: 3 of 1,613,802 alleles (0.00019%); highest among the groups gnomAD compares: Admixed American, 0.0017%; no homozygotes.

Submission:

Labcorp Genetics (formerly Invitae), Labcorp
Classification: Uncertain significance. Last evaluated: 2021-08-04. Review status: criteria provided, single submitter. Criteria: Invitae Variant Classification Sherloc (09022015). Collection method: clinical testing. Allele origin: germline.
Comment: This sequence change replaces aspartic acid with asparagine at codon 221 of the PHYH protein (p.Asp221Asn). The aspartic acid residue is moderately conserved and there is a small physicochemical difference between aspartic acid and asparagine. This variant is present in population databases (rs763486532, ExAC 0.009%). This variant has not been reported in the literature in individuals affected with PHYH-related conditions. Algorithms developed to predict the effect of missense changes on protein structure and function output the following: SIFT: "Tolerated"; PolyPhen-2: "Benign"; Align-GVGD: "Class C0". The asparagine amino acid residue is found in multiple mammalian species, which suggests that this missense change does not adversely affect protein function. In summary, the available evidence is currently insufficient to determine the role of this variant in disease. Therefore, it has been classified as a Variant of Uncertain Significance.